The following is an entry in ClinVar:

NM_001458.5(FLNC):c.8131G>A (p.Gly2711Ser)

Genes: FLNC-AS1 (FLNC antisense RNA 1; minus strand), FLNC (filamin C; plus strand). Cytogenetic location: 7q32.1.
Variant type: single nucleotide variant.
Coding change: c.8131G>A on transcript NM_001458.5 (MANE Select); coding-DNA position 8131, G replaced by A.
Protein change: p.Gly2711Ser; replaces glycine 2711 with serine.
Molecular consequence: missense variant.
Genome position (GRCh38, 1-based): chr7:128,858,476, G>A. VCF-style: chr7-128858476-G-A. GRCh37 (hg19) VCF-style: chr7-128498530-G-A.
Other names: c.8131G>A (NM_001458.4); c.8032G>A, p.Gly2678Ser (NM_001127487.2); short protein forms G2678S, G2711S.
Identifiers: ClinVar variation 1410197 (VCV001410197.7), dbSNP rs1809165876, ClinGen allele CA369221970.
Genomic context (GRCh38, chr7:128,858,476, plus strand): 5'-GTGTACAATGTCACCTACACTGTCAAGGAGAAAGGGGACTACATCCTCATTGTCAAGTGG[G>A]GTGACGAAAGTGTCCCTGGAAGCCCCTTCAAAGTCAAGGTCCCTTGAATCCCAAAAGTGC-3'
Protein context (NP_001449.3, residues 2701-2721): KGDYILIVKW[Gly2711Ser]DESVPGSPFK

ClinVar aggregate classification (germline): Uncertain significance. Review status: criteria provided, multiple submitters, no conflicts (2 of 4 stars). 2 submissions from 2 submitters: Uncertain significance (2). Last evaluated 2023-09-24.

Conditions:
Distal myopathy with posterior leg and anterior hand involvement. Also called: WILLIAMS DISTAL MYOPATHY. Identifiers: Orphanet 63273, MedGen C3279722, MONDO:0013550, OMIM 614065.
Hypertrophic cardiomyopathy 26. Also called: Cardiomyopathy, familial hypertrophic, 26. Identifiers: Orphanet 75249, MedGen C4310749, MONDO:0014883, OMIM 617047.
Myofibrillar myopathy 5. Also called: Filaminopathy (type); FILAMINOPATHY, AUTOSOMAL DOMINANT. Identifiers: Orphanet 171445, MedGen C1836050, MONDO:0012289, OMIM 609524.
Cardiovascular phenotype. Identifiers: MedGen CN230736.

Submissions (2):

Ambry Genetics
Classification: Uncertain significance for Cardiovascular phenotype. Last evaluated: 2023-09-24. Review status: criteria provided, single submitter. Criteria: Ambry Variant Classification Scheme 2023. Collection method: clinical testing. Allele origin: germline.
Comment: The p.G2711S variant (also known as c.8131G>A), located in coding exon 48 of the FLNC gene, results from a G to A substitution at nucleotide position 8131. The glycine at codon 2711 is replaced by serine, an amino acid with similar properties. This amino acid position is conserved. In addition, this alteration is predicted to be deleterious by in silico analysis. Since supporting evidence is limited at this time, the clinical significance of this alteration remains unclear.

Labcorp Genetics (formerly Invitae), Labcorp
Classification: Uncertain significance for Distal myopathy with posterior leg and anterior hand involvement; Myofibrillar myopathy 5; Hypertrophic cardiomyopathy 26. Last evaluated: 2023-08-19. Review status: criteria provided, single submitter. Criteria: Invitae Variant Classification Sherloc (09022015). Collection method: clinical testing. Allele origin: germline.
Comment: In summary, the available evidence is currently insufficient to determine the role of this variant in disease. Therefore, it has been classified as a Variant of Uncertain Significance. Advanced modeling of protein sequence and biophysical properties (such as structural, functional, and spatial information, amino acid conservation, physicochemical variation, residue mobility, and thermodynamic stability) has been performed at Invitae for this missense variant, however the output from this modeling did not meet the statistical confidence thresholds required to predict the impact of this variant on FLNC protein function. ClinVar contains an entry for this variant (Variation ID: 1410197). This variant has not been reported in the literature in individuals affected with FLNC-related conditions. This variant is not present in population databases (gnomAD no frequency). This sequence change replaces glycine, which is neutral and non-polar, with serine, which is neutral and polar, at codon 2711 of the FLNC protein (p.Gly2711Ser).